The following is an entry in ClinVar:

NM_002579.3(PALM):c.425C>G (p.Pro142Arg)

Gene: PALM (paralemmin; plus strand). Cytogenetic location: 19p13.3.
Variant type: single nucleotide variant.
Coding change: c.425C>G on transcript NM_002579.3 (MANE Select); coding-DNA position 425, C replaced by G.
Protein change: p.Pro142Arg; replaces proline 142 with arginine.
Molecular consequence: missense variant.
Genome position (GRCh38, 1-based): chr19:734,177, C>G. VCF-style: chr19-734177-C-G. GRCh37 (hg19) VCF-style: chr19-734177-C-G.
Other names: c.425C>G, p.Pro142Arg (NM_001040134.2); short protein forms P142R.
Identifiers: ClinVar variation 2169473 (VCV002169473.4), dbSNP rs758029885, ClinGen allele CA402882342.
Genomic context (GRCh38, chr19:734,177, plus strand): 5'-CCTTCCTCTTCCCGGGGATGCTGACGCCCCTGACCCTTCTCTCTTCTTTCTTGCAGACGC[C>G]GGTGGGCACGCCCAAAGGTAGGACCTCTGGAAGGAACTCGTGGGGCCTCGGCGCACTCTG-3'
Protein context (NP_002570.2, residues 132-152): TEVVMNSQQT[Pro142Arg]VGTPKDKRVS

ClinVar aggregate classification (germline): Uncertain significance (1 of 4 stars; one submission).

Submission:

Labcorp Genetics (formerly Invitae), Labcorp
Classification: Uncertain significance. Last evaluated: 2022-02-20. Review status: criteria provided, single submitter. Criteria: Invitae Variant Classification Sherloc (09022015). Collection method: clinical testing. Allele origin: germline.
Comment: In summary, the available evidence is currently insufficient to determine the role of this variant in disease. Therefore, it has been classified as a Variant of Uncertain Significance. Algorithms developed to predict the effect of missense changes on protein structure and function are either unavailable or do not agree on the potential impact of this missense change (SIFT: "Deleterious"; PolyPhen-2: "Benign"; Align-GVGD: "Class C0"). This variant has not been reported in the literature in individuals affected with PALM-related conditions. This variant is present in population databases (no rsID available, gnomAD 0.0009%). This sequence change replaces proline, which is neutral and non-polar, with arginine, which is basic and polar, at codon 142 of the PALM protein (p.Pro142Arg).